The following is an entry in ClinVar:

ClinVar aggregate classification (germline): Uncertain significance. Review status: criteria provided, multiple submitters, no conflicts (2 of 4 stars). 3 submissions from 3 submitters: Uncertain significance (3). Last evaluated 2025-08-13.

Conditions:
Inborn genetic diseases. Identifiers: MedGen C0950123, MeSH D030342.
Growth hormone insensitivity with immune dysregulation 1, autosomal recessive. Also called: Laron syndrome with immunodeficiency; GROWTH HORMONE INSENSITIVITY DUE TO POSTRECEPTOR DEFECT; LARON SYNDROME DUE TO POSTRECEPTOR DEFECT; GROWTH HORMONE INSENSITIVITY SYNDROME WITH IMMUNE DYSREGULATION 1, AUTOSOMAL RECESSIVE. Identifiers: Orphanet 220465, MedGen C5435698, MONDO:0100211, OMIM 245590.

gnomAD v4.1: 11 of 1,614,112 alleles (0.00068%); highest among the groups gnomAD compares: Non-Finnish European, 0.00093%; no homozygotes.

Submissions (3):

Ambry Genetics
Classification: Uncertain significance for Inborn genetic diseases. Last evaluated: 2025-08-13. Review status: criteria provided, single submitter. Criteria: Ambry Variant Classification Scheme 2023. Collection method: clinical testing. Allele origin: germline.

Labcorp Genetics (formerly Invitae), Labcorp
Classification: Uncertain significance for Growth hormone insensitivity with immune dysregulation 1, autosomal recessive. Last evaluated: 2025-01-18. Review status: criteria provided, single submitter. Criteria: Invitae Variant Classification Sherloc (09022015). Collection method: clinical testing. Allele origin: germline.
Comment: This sequence change replaces serine, which is neutral and polar, with phenylalanine, which is neutral and non-polar, at codon 138 of the STAT5B protein (p.Ser138Phe). This variant is not present in population databases (gnomAD no frequency). This variant has not been reported in the literature in individuals affected with STAT5B-related conditions. Invitae Evidence Modeling of protein sequence and biophysical properties (such as structural, functional, and spatial information, amino acid conservation, physicochemical variation, residue mobility, and thermodynamic stability) indicates that this missense variant is not expected to disrupt STAT5B protein function with a negative predictive value of 80%. Algorithms developed to predict the effect of sequence changes on RNA splicing suggest that this variant may create or strengthen a splice site. In summary, the available evidence is currently insufficient to determine the role of this variant in disease. Therefore, it has been classified as a Variant of Uncertain Significance.

Blueprint Genetics
Classification: Uncertain significance. Last evaluated: 2024-03-19. Review status: criteria provided, single submitter. Criteria: ACMG Guidelines, 2015. Collection method: clinical testing. Allele origin: germline.

NM_012448.4(STAT5B):c.413C>T (p.Ser138Phe)

Gene: STAT5B (signal transducer and activator of transcription 5B; minus strand). Cytogenetic location: 17q21.2.
Variant type: single nucleotide variant.
Coding change: c.413C>T on transcript NM_012448.4 (MANE Select); coding-DNA position 413, C replaced by T.
Protein change: p.Ser138Phe; replaces serine 138 with phenylalanine.
Molecular consequence: missense variant.
Genome position (GRCh38, 1-based): chr17:42,223,519, G>A on the plus strand (C>T on the coding strand, the complement: STAT5B is on the minus strand). VCF-style: chr17-42223519-G-A. GRCh37 (hg19) VCF-style: chr17-40375537-G-A.
Other names: short protein forms S138F.
Identifiers: ClinVar variation 3719125 (VCV003719125.4).
Genomic context (GRCh38, chr17:42,223,519, plus strand): 5'-GTGTCCTGCGTGACCAGTCGCAGCTCCTCAAACGTCTGGTTGATCTGGAGGTGTTTCTGG[G>A]ACATGGCATCAGCAAGGCTTCCAGCTGGAGAGCTACCCTGGGAACATATGGGGGGCAGTG-3'
Protein context (NP_036580.2, residues 128-148): SPAGSLADAM[Ser138Phe]QKHLQINQTF